The following is an entry in ClinVar:

NM_182914.3(SYNE2):c.9700G>C (p.Glu3234Gln)

Gene: SYNE2 (spectrin repeat containing nuclear envelope protein 2; plus strand). Cytogenetic location: 14q23.2.
Variant type: single nucleotide variant.
Coding change: c.9700G>C on transcript NM_182914.3 (MANE Select); coding-DNA position 9700, G replaced by C.
Protein change: p.Glu3234Gln; replaces glutamic acid 3234 with glutamine.
Molecular consequence: missense variant.
Genome position (GRCh38, 1-based): chr14:64,053,613, G>C. VCF-style: chr14-64053613-G-C. GRCh37 (hg19) VCF-style: chr14-64520331-G-C.
Other names: c.9700G>C, p.Glu3234Gln (NM_015180.6); short protein forms E3234Q.
Identifiers: ClinVar variation 313548 (VCV000313548.15), dbSNP rs372597797, ClinGen allele CA7221315.

ClinVar aggregate classification (germline): Conflicting classifications of pathogenicity. Review status: criteria provided, conflicting classifications (1 of 4 stars). 3 submissions from 3 submitters: Uncertain significance (2); Benign (1). Last evaluated 2025-07-30.

Conditions:
Emery-Dreifuss muscular dystrophy 5, autosomal dominant (EDMD5). Also called: EMERY-DREIFUSS MUSCULAR DYSTROPHY 5. Identifiers: Orphanet 261, MedGen C2751805, MONDO:0013072, OMIM 612999.

Allele frequency attached by ClinVar (database versions not stated): gnomAD 0.00001 and 0.00005; TOPMed 0.00002; ESP Exome Variant Server 0.00008; gnomAD exomes 0.00008; ExAC 0.00012.
gnomAD v4.1: 118 of 1,613,016 alleles (0.0073%); highest among the groups gnomAD compares: South Asian, 0.084%; 3 homozygotes.

Submissions (3):

Labcorp Genetics (formerly Invitae), Labcorp
Classification: Uncertain significance for Emery-Dreifuss muscular dystrophy 5, autosomal dominant. Last evaluated: 2025-07-30. Review status: criteria provided, single submitter. Criteria: Invitae Variant Classification Sherloc (09022015). Collection method: clinical testing. Allele origin: germline.
Comment: This sequence change replaces glutamic acid, which is acidic and polar, with glutamine, which is neutral and polar, at codon 3234 of the SYNE2 protein (p.Glu3234Gln). This variant is present in population databases (rs372597797, gnomAD 0.06%), and has an allele count higher than expected for a pathogenic variant. This variant has not been reported in the literature in individuals affected with SYNE2-related conditions. ClinVar contains an entry for this variant (Variation ID: 313548). An algorithm developed to predict the effect of missense changes on protein structure and function (PolyPhen-2) suggests that this variant is likely to be disruptive. In summary, the available evidence is currently insufficient to determine the role of this variant in disease. Therefore, it has been classified as a Variant of Uncertain Significance.

Athena Diagnostics
Classification: Uncertain significance. Last evaluated: 2024-04-18. Review status: criteria provided, single submitter. Criteria: Athena Diagnostics Criteria. Collection method: clinical testing. Allele origin: unknown.
Comment: Available data are insufficient to determine the clinical significance of the variant at this time. The frequency of this variant in the general population is higher than would generally be expected for pathogenic variants in this gene. Computational tools predict that this variant is not damaging.

Illumina Laboratory Services, Illumina
Classification: Benign for Emery-Dreifuss muscular dystrophy 5, autosomal dominant. Last evaluated: 2018-01-13. Review status: criteria provided, single submitter. Criteria: ICSL Variant Classification Criteria 13 December 2019. Collection method: clinical testing. Allele origin: germline.
Comment: This variant was observed in the ICSL laboratory as part of a predisposition screen in an ostensibly healthy population. It had not been previously curated by ICSL or reported in the Human Gene Mutation Database (HGMD: prior to June 1st, 2018), and was therefore a candidate for classification through an automated scoring system. Utilizing variant allele frequency, disease prevalence and penetrance estimates, and inheritance mode, an automated score was calculated to assess if this variant is too frequent to cause the disease. Based on the score and internal cut-off values, a variant classified as benign is not then subjected to further curation. The score for this variant resulted in a classification of benign for this disease.

Literature cited by the submitters: PubMed 28945198 (cited by Athena Diagnostics).